The following is an entry in ClinVar:

NM_004360.5(CDH1):c.552dup (p.Glu185fs)

Gene: CDH1 (cadherin 1; plus strand). Cytogenetic location: 16q22.1.
Variant type: Duplication.
Coding change: c.552dup on transcript NM_004360.5 (MANE Select); coding-DNA position 552, one base duplicated (A; older notation c.552dupA).
Protein change: p.Glu185fs; shifts the reading frame from glutamic acid 185.
Molecular consequence: frameshift variant. On other transcripts: 5 prime UTR variant (2).
Genome position (GRCh38, 1-based): chr16:68,808,713, A duplicated; the last of 3 consecutive A bases (chr16:68,808,711-68,808,713); duplicating any one gives the same sequence. VCF-style (leftmost placement, unchanged base first): chr16-68808710-C-CA. GRCh37 (hg19) VCF-style: chr16-68842613-C-CA.
Other names: c.552dup, p.Glu185fs (NM_001317184.2); c.-1064dup (NM_001317185.2); c.-1268dup (NM_001317186.2); short protein forms E185fs.
Identifiers: ClinVar variation 825807 (VCV000825807.4), dbSNP rs1597890963, ClinGen allele CA915949301.

ClinVar aggregate classification (germline): Pathogenic (1 of 4 stars; one submission).

Conditions:
Hereditary cancer-predisposing syndrome. Also called: Neoplastic Syndromes, Hereditary; Tumor predisposition; Hereditary neoplastic syndrome; Hereditary Cancer Syndrome. Identifiers: Orphanet 140162, MedGen C0027672, MeSH D009386, MONDO:0015356.

Submission:

Ambry Genetics
Classification: Pathogenic for Hereditary cancer-predisposing syndrome. Last evaluated: 2018-09-14. Review status: criteria provided, single submitter. Criteria: Ambry Variant Classification Scheme 2023. Collection method: clinical testing. Allele origin: germline.
Comment: The c.552dupA pathogenic mutation, located in coding exon 5 of the CDH1 gene, results from a duplication of A at nucleotide position 552, causing a translational frameshift with a predicted alternate stop codon (p.E185Rfs*14). This alteration is expected to result in loss of function by premature protein truncation or nonsense-mediated mRNA decay. As such, this alteration is interpreted as a disease-causing mutation.